The following is an entry in ClinVar:

NM_152383.5(DIS3L2):c.2556G>C (p.Lys852Asn)

Gene: DIS3L2 (DIS3 like 3'-5' exoribonuclease 2; plus strand). Cytogenetic location: 2q37.1.
Variant type: single nucleotide variant.
Coding change: c.2556G>C on transcript NM_152383.5 (MANE Select); coding-DNA position 2556, G replaced by C.
Protein change: p.Lys852Asn; replaces lysine 852 with asparagine.
Molecular consequence: missense variant. On other transcripts: non-coding transcript variant (2), intron variant (1).
Genome position (GRCh38, 1-based): chr2:232,336,528, G>C. VCF-style: chr2-232336528-G-C. GRCh37 (hg19) VCF-style: chr2-233201238-G-C.
Other names: c.1582-6817G>C (NM_001257281.2); short protein forms K852N.
Identifiers: ClinVar variation 639849 (VCV000639849.10), dbSNP rs1575030076, ClinGen allele CA350978955.

ClinVar aggregate classification (germline): Uncertain significance (1 of 4 stars; one submission).

Conditions:
Perlman syndrome (PRLMNS). Identifiers: Orphanet 2849, MedGen C0796113, MONDO:0009965, OMIM 267000.

Submission:

Labcorp Genetics (formerly Invitae), Labcorp
Classification: Uncertain significance for Perlman syndrome. Last evaluated: 2025-04-09. Review status: criteria provided, single submitter. Criteria: Invitae Variant Classification Sherloc (09022015). Collection method: clinical testing. Allele origin: germline.
Comment: This sequence change replaces lysine, which is basic and polar, with asparagine, which is neutral and polar, at codon 852 of the DIS3L2 protein (p.Lys852Asn). This variant is not present in population databases (gnomAD no frequency). This variant has not been reported in the literature in individuals affected with DIS3L2-related conditions. ClinVar contains an entry for this variant (Variation ID: 639849). Invitae Evidence Modeling of protein sequence and biophysical properties (such as structural, functional, and spatial information, amino acid conservation, physicochemical variation, residue mobility, and thermodynamic stability) indicates that this missense variant is not expected to disrupt DIS3L2 protein function with a negative predictive value of 80%. In summary, the available evidence is currently insufficient to determine the role of this variant in disease. Therefore, it has been classified as a Variant of Uncertain Significance.